The following is an entry in ClinVar:

ClinVar aggregate classification (germline): Uncertain significance (1 of 4 stars; one submission).

Conditions:
Early-infantile DEE. Also called: Early infantile epileptic encephalopathy with suppression bursts; Early infantile epileptic encephalopathy; Ohtahara syndrome. Identifiers: Orphanet 1934, MedGen C0393706, MONDO:0800491.

Submission:

Labcorp Genetics (formerly Invitae), Labcorp
Classification: Uncertain significance for Early-infantile DEE. Last evaluated: 2025-09-08. Review status: criteria provided, single submitter. Criteria: Invitae Variant Classification Sherloc (09022015). Collection method: clinical testing. Allele origin: germline.
Comment: This sequence change replaces leucine, which is neutral and non-polar, with valine, which is neutral and non-polar, at codon 1670 of the SCN1A protein (p.Leu1670Val). This variant is not present in population databases (gnomAD no frequency). This missense change has been observed in individual(s) with familial hemiplegic migraine (internal data). Invitae Evidence Modeling of protein sequence and biophysical properties (such as structural, functional, and spatial information, amino acid conservation, physicochemical variation, residue mobility, and thermodynamic stability) indicates that this missense variant is not expected to disrupt SCN1A protein function with a negative predictive value of 95%. This variant disrupts the p.Leu1670 amino acid residue in SCN1A. Other variant(s) that disrupt this residue have been determined to be pathogenic (PMID: 27919014, 31780880). This suggests that this residue is clinically significant, and that variants that disrupt this residue are likely to be disease-causing. In summary, the available evidence is currently insufficient to determine the role of this variant in disease. Therefore, it has been classified as a Variant of Uncertain Significance.

Literature cited by the submitters: PubMed 27919014; PubMed 31780880.

NM_001165963.4(SCN1A):c.5008T>G (p.Leu1670Val)

Genes: SCN1A (sodium voltage-gated channel alpha subunit 1; minus strand), LOC102724058 (uncharacterized LOC102724058; plus strand). Cytogenetic location: 2q24.3.
Variant type: single nucleotide variant.
Coding change: c.5008T>G on transcript NM_001165963.4 (MANE Select); coding-DNA position 5008, T replaced by G.
Protein change: p.Leu1670Val; replaces leucine 1670 with valine.
Molecular consequence: missense variant. On other transcripts: non-coding transcript variant (1).
Genome position (GRCh38, 1-based): chr2:165,992,267, A>C on the plus strand (T>G on the coding strand, the complement: SCN1A is on the minus strand). VCF-style: chr2-165992267-A-C. GRCh37 (hg19) VCF-style: chr2-166848777-A-C.
Other names: c.4924T>G, p.Leu1642Val (NM_001165964.3, NM_001353957.2, NM_001353958.2); c.5008T>G, p.Leu1670Val (NM_001202435.3, NM_001353948.2); c.4975T>G, p.Leu1659Val (NM_001353949.2, NM_001353950.2, NM_001353951.2 and 2 more transcripts); c.4972T>G, p.Leu1658Val (NM_001353954.2, NM_001353955.2); c.4921T>G, p.Leu1641Val (NM_001353960.2); c.2566T>G, p.Leu856Val (NM_001353961.2); short protein forms L1641V, L1642V, L1658V, L1659V, L1670V, L856V.
Identifiers: ClinVar variation 4800257 (VCV004800257.1).
Genomic context (GRCh38, chr2:165,992,267, plus strand): 5'-ACATCCCAAAGATGGCGTAGATGAACATGACTAGGAAGAGTAGGAGGCCGATGTTAAACA[A>C]CGCAGGAAGGGACATCATCAAAGCAAAGAGCAGCGTGCGGATCCCCTTTGCTCCTTTGAT-3'
Protein context (NP_001159435.1, residues 1660-1680): LFALMMSLPA[Leu1670Val]FNIGLLLFLV